The following is an entry in ClinVar:

NM_001006630.2(CHRM2):c.-130C>T

Gene: CHRM2 (cholinergic receptor muscarinic 2; plus strand). Cytogenetic location: 7q33.
Variant type: single nucleotide variant.
Coding change: c.-130C>T on transcript NM_001006630.2 (MANE Select); 130 bases upstream of the start codon, C replaced by T.
Molecular consequence: 5 prime UTR variant.
Genome position (GRCh38, 1-based): chr7:136,869,413, C>T. VCF-style: chr7-136869413-C-T. GRCh37 (hg19) VCF-style: chr7-136554160-C-T.
Other names: c.-130C>T (NM_000739.3, NM_001006628.3, NM_001006631.3); c.-208C>T (NM_001006626.3); c.-52C>T (NM_001006627.3, NM_001006629.3, NM_001006632.3 and 1 more transcripts); c.-242C>T (NM_001378972.1).
Identifiers: ClinVar variation 384814 (VCV000384814.1), dbSNP rs77128879, ClinGen allele CA15507215.

ClinVar aggregate classification (germline): Benign (1 of 4 stars; one submission).

Allele frequency attached by ClinVar (database versions not stated): gnomAD exomes 0.00515; gnomAD 0.01374 and 0.02148; TOPMed 0.01948; 1000 Genomes Project 30x 0.07527; 1000 Genomes Project 0.07887.
gnomAD v4.1: 3,243 of 152,410 alleles (2.1%); highest among the groups gnomAD compares: South Asian, 19%; 179 homozygotes.

Submission:

GeneDx
Classification: Benign. Last evaluated: 2016-10-19. Review status: criteria provided, single submitter. Criteria: GeneDx Variant Classification (06012015). Collection method: clinical testing. Allele origin: germline. Affected: yes.
Comment: This variant is considered likely benign or benign based on one or more of the following criteria: it is a conservative change, it occurs at a poorly conserved position in the protein, it is predicted to be benign by multiple in silico algorithms, and/or has population frequency not consistent with disease.